The following is an entry in ClinVar:

NM_153700.2(STRC):c.3706C>T (p.Gln1236Ter)

Gene: STRC (stereocilin; minus strand). Cytogenetic location: 15q15.3.
Variant type: single nucleotide variant.
Coding change: c.3706C>T on transcript NM_153700.2 (MANE Select); coding-DNA position 3706, C replaced by T.
Protein change: p.Gln1236Ter; replaces glutamine 1236 with a stop codon.
Molecular consequence: nonsense.
Genome position (GRCh38, 1-based): chr15:43,607,951, G>A on the plus strand (C>T on the coding strand, the complement: STRC is on the minus strand). VCF-style: chr15-43607951-G-A. GRCh37 (hg19) VCF-style: chr15-43900149-G-A.
Other names: short protein forms Q1236*.
Identifiers: ClinVar variation 3771643 (VCV003771643.13).
Genomic context (GRCh38, chr15:43,607,951, plus strand): 5'-GCCCGTTCAGTTCTGGCCCTACAGTTGTCCATTCTGGTTCTGGCATTGCCATCCTCCGCT[G>A]TAGCTCTGCCCAGATACAGGCCCTCTGTAGGGAAGCAGTGTGAGGCCAGAGCAGAACATA-3'

ClinVar aggregate classification (germline): Pathogenic (1 of 4 stars; one submission).

Submission:

CeGaT Center for Human Genetics Tuebingen
Classification: Pathogenic. Last evaluated: 2024-12-01. Review status: criteria provided, single submitter. Criteria: CeGaT Center For Human Genetics Tuebingen Variant Classification Criteria Version 2. Collection method: clinical testing. Allele origin: germline. Affected: yes. Observed: 1 variant allele.
Comment: STRC: PVS1, PM2